The following is an entry in ClinVar:

NM_004972.4(JAK2):c.1978G>A (p.Ala660Thr)

Genes: INSL6 (insulin like 6; minus strand), JAK2 (Janus kinase 2; plus strand). Cytogenetic location: 9p24.1.
Variant type: single nucleotide variant.
Coding change: c.1978G>A on transcript NM_004972.4 (MANE Select); coding-DNA position 1978, G replaced by A.
Protein change: p.Ala660Thr; replaces alanine 660 with threonine.
Molecular consequence: missense variant. On other transcripts: non-coding transcript variant (2).
Genome position (GRCh38, 1-based): chr9:5,077,566, G>A. VCF-style: chr9-5077566-G-A. GRCh37 (hg19) VCF-style: chr9-5077566-G-A.
Other names: p.Ala660Thr; c.763G>A, p.Ala255Thr (NM_001322198.2, NM_001322199.2); c.1531G>A, p.Ala511Thr (NM_001322204.2); c.1978G>A, p.Ala660Thr (NM_001322194.2, NM_001322195.2, NM_001322196.2); short protein forms A511T, A660T, A255T.
Identifiers: ClinVar variation 4541419 (VCV004541419.1).

ClinVar aggregate classification (germline): Uncertain significance (1 of 4 stars; one submission).

gnomAD v4.1: 2 of 1,484,180 alleles (0.00013%); highest among the groups gnomAD compares: Admixed American, 0.0025%; no homozygotes.

Submission:

Mayo Clinic Laboratories, Mayo Clinic
Classification: Uncertain significance. Last evaluated: 2024-10-30. Review status: criteria provided, single submitter. Criteria: ACMG Guidelines, 2015. Collection method: clinical testing. Allele origin: germline. Observed: 1 variant allele.
Comment: PM2_supporting